The following is an entry in ClinVar:

ClinVar aggregate classification (germline): Pathogenic (1 of 4 stars; one submission).

Conditions:
Fanconi anemia complementation group C (FANCC). Also called: FANCONI PANCYTOPENIA, TYPE 3; FACC; Fanconi anemia, group C; FANCC-Related Fanconi Anemia. Identifiers: Orphanet 84, MedGen C3468041, MONDO:0009213, OMIM 227645.

Submission:

Myriad Genetics, Inc.
Classification: Pathogenic for Fanconi anemia complementation group C. Last evaluated: 2023-08-11. Review status: criteria provided, single submitter. Criteria: Myriad Autosomal Dominant, Autosomal Recessive and X-Linked Classification Criteria (2023). Collection method: clinical testing. Allele origin: unknown.
Comment: NM_000136.2(FANCC):c.808_809ins8(R270Nfs*10) is expected to be pathogenic in the context of Fanconi anemia, FANCC-related. This variant is predicted to lead to an abnormal or absent protein product due to the creation of a premature termination codon in FANCC, a gene where loss-of-function variants are known to be pathogenic. Please note: this variant was assessed in the context of healthy population screening.

NM_000136.3(FANCC):c.808_809insATCGAATA (p.Arg270fs)

Genes: AOPEP (aminopeptidase O (putative); plus strand), FANCC (FA complementation group C; minus strand). Cytogenetic location: 9q22.32.
Variant type: Insertion.
Coding change: c.808_809insATCGAATA on transcript NM_000136.3 (MANE Select); coding-DNA positions 808 to 809, ATCGAATA inserted.
Protein change: p.Arg270fs; shifts the reading frame from arginine 270.
Molecular consequence: frameshift variant.
Genome position: GRCh38 VCF-style: chr9-95135380-C-CTATTCGAT. GRCh37 (hg19) VCF-style: chr9-97897662-C-CTATTCGAT.
Other names: c.808_809insATCGAATA, p.Arg270fs (NM_001243743.2, NM_001243744.2); short protein forms R270fs.
Identifiers: ClinVar variation 5011319 (VCV005011319.1).
Genomic context (GRCh38, chr9:95,135,380, plus strand): 5'-TCCCTTCATCAAAACCCAGTACGTACCAGCGATGAATCTTTTATAAAGCATTCGATCCTT[C>CTATTCGAT]TCAGACAATTTCTCTCACTGGAGATTAGCTTTTCAAAAAGATGCAGCATTGCTTTTTCAA-3'